The following is an entry in ClinVar:

NM_007294.4(BRCA1):c.213-12A>G

Gene: BRCA1 (BRCA1 DNA repair associated; minus strand). Cytogenetic location: 17q21.31.
Variant type: single nucleotide variant.
Coding change: c.213-12A>G on transcript NM_007294.4 (MANE Select); 12 bases into the intron before coding-DNA position 213, A replaced by G.
Molecular consequence: intron variant.
Genome position (GRCh38, 1-based): chr17:43,104,968, T>C on the plus strand (A>G on the coding strand, the complement: BRCA1 is on the minus strand). VCF-style: chr17-43104968-T-C. GRCh37 (hg19) VCF-style: chr17-41256985-T-C.
Other names: IVS5-12A>G; c.213-12A>G (NM_001407613.1, NM_001408436.1, NM_001407665.1 and 167 more transcripts); c.81-12A>G (NM_001408451.1); c.3-12A>G (NM_001407898.1, NM_001407881.1, NM_001408509.1 and 58 more transcripts); c.72-12A>G (NM_001407932.1, NM_001408464.1, NM_001407742.1 and 99 more transcripts); c.135-12A>G (NM_001408475.1, NM_001407875.1, NM_001407659.1 and 21 more transcripts); c.-218-10108A>G (NM_001407966.1, NM_001407967.1); c.-169-12A>G (NM_001407963.1, NM_001407960.1, NM_001407965.1 and 4 more transcripts).
Identifiers: ClinVar variation 37450 (VCV000037450.79), dbSNP rs80358163, ClinGen allele CA001426.

ClinVar aggregate classification (germline): Pathogenic. Review status: reviewed by expert panel (3 of 4 stars). 33 submissions from 33 submitters: Pathogenic (1). 32 of the submissions do not count toward it. Last evaluated 2019-06-18.

Conditions:
BRCA1-related disorder. Also called: BRCA1-related condition.
Pancreatic cancer, susceptibility to, 4. Identifiers: Orphanet 1333, MedGen C3280442, MONDO:0013685, OMIM 614320.
Familial cancer of breast. Also called: BREAST CANCER, FAMILIAL; Hereditary breast cancer; hereditary breast carcinoma. Identifiers: Orphanet 227535, MedGen C0346153, MONDO:0016419, OMIM 114480. Disease mechanism: loss of function.
Breast-ovarian cancer, familial, susceptibility to, 1 (BROVCA1). Also called: OVARIAN CANCER, SUSCEPTIBILITY TO; BRCA1 Hereditary Breast and Ovarian Cancer. Identifiers: Orphanet 145, MedGen C2676676, MONDO:0011450, OMIM 604370. Disease mechanism: loss of function.
Fanconi anemia, complementation group S (FANCS). Identifiers: MedGen C4554406, MONDO:0054748, OMIM 617883.
Breast and/or ovarian cancer. Identifiers: MedGen CN221562.
Hereditary cancer-predisposing syndrome. Also called: Neoplastic Syndromes, Hereditary; Tumor predisposition; Hereditary Cancer Syndrome; Hereditary neoplastic syndrome. Identifiers: Orphanet 140162, MedGen C0027672, MeSH D009386, MONDO:0015356.
Hereditary breast ovarian cancer syndrome. Also called: Hereditary breast and ovarian cancer; Breast and ovarian cancer; Hereditary breast and/or ovarian cancer syndrome; Hereditary breast and ovarian cancer syndrome (HBOC); Hereditary breast and ovarian cancer syndrome; BRCA1- and BRCA2-Associated Hereditary Breast and Ovarian Cancer. Identifiers: Orphanet 145, MedGen C0677776, MeSH D061325, MONDO:0003582. Disease mechanism: loss of function.
Ovarian neoplasm. Also called: Ovarian tumor; Neoplasm of ovary; Ovarian Neoplasms. Identifiers: MedGen C0919267, MeSH D010051, MONDO:0021068, HP:0100615.

Submissions 1 to 8 of 33:

Evidence-based Network for the Interpretation of Germline Mutant Alleles (ENIGMA)
Classification: Pathogenic for Breast-ovarian cancer, familial, susceptibility to, 1. Last evaluated: 2019-06-18. Review status: reviewed by expert panel. Criteria: ENIGMA BRCA1/2 Classification Criteria (2017-06-29). Collection method: curation. Allele origin: germline.
Comment: IARC class based on posterior probability from multifactorial likelihood analysis, thresholds for class as per Plon et al. 2008 (PMID: 18951446). Class 5 based on posterior probability = 1

Labcorp Genetics (formerly Invitae), Labcorp
Classification: Pathogenic for Hereditary breast ovarian cancer syndrome. Last evaluated: 2026-01-31. Review status: criteria provided, single submitter. Criteria: Invitae Variant Classification Sherloc (09022015). Collection method: clinical testing. Allele origin: germline. Not counted in ClinVar's aggregate classification.
Comment: This sequence change falls in intron 4 of the BRCA1 gene. It does not directly change the encoded amino acid sequence of the BRCA1 protein. RNA analysis indicates that this variant induces altered splicing and may result in an absent or altered protein product. This variant is not present in population databases (gnomAD no frequency). This variant has been observed in individual(s) with breast and/or ovarian cancer (PMID: 9805131, 19563646, 21348412, 23479189). It has also been observed to segregate with disease in related individuals. This variant is also known as IVS5-12A>G. ClinVar contains an entry for this variant (Variation ID: 37450). Studies have shown that this variant results in activation of a cryptic splice site, and produces a non-functional protein and/or introduces a premature termination codon (PMID: 9805131; internal data). For these reasons, this variant has been classified as Pathogenic.

CeGaT Center for Human Genetics Tuebingen
Classification: Pathogenic. Last evaluated: 2025-07-01. Review status: criteria provided, single submitter. Criteria: CeGaT Center For Human Genetics Tuebingen Variant Classification Criteria Version 2. Collection method: clinical testing. Allele origin: germline. Affected: yes. Observed: 1 variant allele. Not counted in ClinVar's aggregate classification.
Comment: BRCA1: PVS1, PM2, PP1:Moderate, PS4:Moderate

Revvity Omics, Revvity
Classification: Pathogenic. Last evaluated: 2025-05-16. Review status: criteria provided, single submitter. Criteria: ACMG Guidelines, 2015. Collection method: clinical testing. Allele origin: germline. Not counted in ClinVar's aggregate classification.

Quest Diagnostics Nichols Institute San Juan Capistrano
Classification: Pathogenic. Last evaluated: 2025-05-12. Review status: criteria provided, single submitter. Criteria: Quest Diagnostics criteria. Collection method: clinical testing. Allele origin: unknown. Not counted in ClinVar's aggregate classification.
Comment: The BRCA1 c.213-12A>G variant has been reported in the published literature in multiple individuals and families affected with hereditary breast and/or ovarian cancer (PMIDs: 9805131 (1998), 11802209 (2002), 16683254 (2006),18627636 (2008), 23479189 (2013), 25863477 (2015), 25971625 (2015), 28528518 (2017), 29360161 (2018), 30702160 (2019), 37563628 (2023)), endometrial cancer (PMID: 23164213 (2012)), and pancreatic cancer (PMID: 29360161 (2018)). Assessment of experimental evidence indicates this variant induces abnormal mRNA splicing and results in a truncated BRCA1 protein (PMIDs: 9805131 (1998), 21523855 (2011), 21735045 (2012)). In addition, this variant was classified as pathogenic in a multifactorial likelihood study (PMID: 31131967 (2019)). This variant has not been reported in large, multi-ethnic general populations (Genome Aggregation Database). Analysis of this variant using software algorithms for the prediction of the effect of nucleotide changes on BRCA1 mRNA splicing yielded inconclusive findings. Based on the available information, this variant is classified as pathogenic.

Ambry Genetics
Classification: Pathogenic for Hereditary cancer-predisposing syndrome. Last evaluated: 2025-03-28. Review status: criteria provided, single submitter. Criteria: Ambry Variant Classification Scheme 2023. Collection method: clinical testing. Allele origin: germline. Not counted in ClinVar's aggregate classification.
Comment: The c.213-12A>G intronic pathogenic mutation results from an A to G substitution 12 nucleotides upstream from coding exon 4 in the BRCA1 gene. This alteration has been reported in numerous individuals with personal and/or family history of breast and/or ovarian cancers (Meindl A et al. Int. J. Cancer, 2002 Feb;97:472-80; Thirthagiri E et al. Breast Cancer Res., 2008 Jul;10:R59; de Juan Jim&eacute;nez I et al. Fam. Cancer. 2013 Dec;12:767-77; Brohet RM et al. J. Med. Genet., 2014 Feb;51:98-107; Kang E et al. Breast Cancer Res. Treat., 2015 May;151:157-68; Meisel C et al. Arch. Gynecol. Obstet. 2017 May;295:1227-1238; Cock-Rada AM et al. Fam. Cancer. 2018 Jan;17:23-30; Wen WX et al. J. Med. Genet., 2018 Feb;55:97-103; Dudley B et al. Cancer, 2018 Apr;124:1691-1700). In one 11-person family with early-onset breast cancer this mutation was shown to segregate with disease (Hoffman JD et al. Am. J. Med. Genet. 1998 Nov;80(2):140-4). This alteration results in the formation of a cryptic splice acceptor site, leading to an insertion of 11 nucleotides with a predicted premature termination codon (Ambry internal data; Hoffman JD et al. Am. J. Med. Genet. 1998 Nov;80(2):140-4; Menedez M et al. Breast Cancer Res. Treat. 2012 Apr;132(3):979-92). Of note, this mutation is also designated as IVS5-12A>G in published literature. Based on the available evidence, this alteration is classified as a pathogenic mutation.

Institute of Human Genetics, University of Leipzig Medical Center
Classification: Pathogenic for Familial cancer of breast. Last evaluated: 2025-03-04. Review status: criteria provided, single submitter. Criteria: ACMG Guidelines, 2015. Collection method: clinical testing. Allele origin: unknown. Inheritance: Autosomal dominant inheritance. Affected: yes. Not counted in ClinVar's aggregate classification.
Comment: Criteria applied: PP4_VSTR,PM2_SUP,PP3

Color Diagnostics, LLC DBA Color Health
Classification: Pathogenic for Hereditary cancer-predisposing syndrome. Last evaluated: 2024-07-01. Review status: criteria provided, single submitter. Criteria: ACMG Guidelines, 2015. Collection method: clinical testing. Allele origin: germline. Not counted in ClinVar's aggregate classification.
Comment: This variant causes an A to G nucleotide substitution at the -12 position of intron 4 of the BRCA1 gene. An RNA study has shown that this variant causes new splice acceptor that inserts 11 bp at the beginning of exon 6, resulting in frameshift and premature truncation within exon 6 (PMID: 9805131). This variant has been reported in at least six individuals and multiple families affected with breast or ovarian cancer (PMID: 9760198, 9805131, 18627636, 21147080, 25863477, 25971625, 28528518), and in an individual affected with pancreatic and ovarian cancer (PMID: 29360161). A multifactorial analysis has reported likelihood ratios for pathogenicity based on segregation and tumor pathology of 29429 and 1132, respectively (PMID: 31131967). This variant has not been identified in the general population by the Genome Aggregation Database (gnomAD). Loss of BRCA1 function is a known mechanism of disease. Based on the available evidence, this variant is classified as Pathogenic.